The following is an entry in ClinVar:

NM_000448.3(RAG1):c.256A>T (p.Lys86Ter)

Gene: RAG1 (recombination activating 1; plus strand). Cytogenetic location: 11p12.
Variant type: single nucleotide variant.
Coding change: c.256A>T on transcript NM_000448.3 (MANE Select); coding-DNA position 256, A replaced by T.
Protein change: p.Lys86Ter; replaces lysine 86 with a stop codon.
Molecular consequence: nonsense.
Genome position (GRCh38, 1-based): chr11:36,573,560, A>T. VCF-style: chr11-36573560-A-T. GRCh37 (hg19) VCF-style: chr11-36595110-A-T.
Other names: c.256A>T, p.Lys86Ter (NM_001377277.1, NM_001377278.1, NM_001377279.1 and 1 more transcripts); short protein forms K86*.
Identifiers: ClinVar variation 1705466 (VCV001705466.1), dbSNP rs2494750713, ClinGen allele CA380146160.

ClinVar aggregate classification (germline): Likely pathogenic (1 of 4 stars; one submission).

Conditions:
Histiocytic medullary reticulosis. Also called: Omenn syndrome; SEVERE COMBINED IMMUNODEFICIENCY WITH HYPEREOSINOPHILIA. Identifiers: Orphanet 39041, MedGen C2700553, MONDO:0011338, OMIM 603554.

Submission:

3billion
Classification: Likely pathogenic for Histiocytic medullary reticulosis. Last evaluated: 2022-09-01. Review status: criteria provided, single submitter. Criteria: ACMG Guidelines, 2015. Collection method: clinical testing. Allele origin: germline. Affected: yes. Observed: 1 heterozygote.
Comment: The variant is not observed in the gnomAD v2.1.1 dataset. Stop-gained (nonsense) is predicted to result in a loss or disruption of normal protein function through protein truncation. The predicted truncated protein may be shortened by more than 10%. Therefore, this variant is classified as Likely pathogenic according to the recommendation of ACMG/AMP guideline.